The following is an entry in ClinVar:

ClinVar aggregate classification (germline): Likely pathogenic (1 of 4 stars; one submission).

Conditions:
Poirier-Bienvenu neurodevelopmental syndrome (POBINDS). Identifiers: Orphanet 689397, MedGen C5231482, MONDO:0032889, OMIM 618732.

Submission:

3billion
Classification: Likely pathogenic for Poirier-Bienvenu neurodevelopmental syndrome. Last evaluated: 2024-09-13. Review status: criteria provided, single submitter. Criteria: ACMG Guidelines, 2015. Collection method: clinical testing. Allele origin: germline. Affected: yes.
Comment: The variant is not observed in the gnomAD v4.0.0 dataset. Predicted Consequence/Location: Frameshift: predicted to result in a loss or disruption of normal protein function through protein truncation. Multiple pathogenic variants are reported in the predicted truncated region. Therefore, this variant is classified as Likely pathogenic according to the recommendation of ACMG/AMP guideline.

NM_001320.7(CSNK2B):c.549del (p.Phe183fs)

Gene: CSNK2B (casein kinase 2 beta; plus strand). Cytogenetic location: 6p21.33.
Variant type: Deletion.
Coding change: c.549del on transcript NM_001320.7 (MANE Select); coding-DNA position 549, one base deleted (T; older notation c.549delT).
Protein change: p.Phe183fs; shifts the reading frame from phenylalanine 183.
Molecular consequence: frameshift variant.
Genome position (GRCh38, 1-based): chr6:31,669,500, T deleted; the last of 3 consecutive T bases (chr6:31,669,498-31,669,500); deleting any one gives the same sequence. VCF-style (leftmost placement, unchanged base first): chr6-31669497-GT-G. GRCh37 (hg19) VCF-style: chr6-31637274-GT-G.
Other names: c.540del, p.Phe180fs (NM_001282385.2); short protein forms F180fs, F183fs.
Identifiers: ClinVar variation 4293989 (VCV004293989.1).